The following is an entry in ClinVar:

ClinVar aggregate classification (germline): Uncertain significance (1 of 4 stars; one submission).

Allele frequency attached by ClinVar (database versions not stated): gnomAD exomes below 0.00001 and 0.00001; ExAC 0.00001.

Submission:

Labcorp Genetics (formerly Invitae), Labcorp
Classification: Uncertain significance. Last evaluated: 2022-04-01. Review status: criteria provided, single submitter. Criteria: Invitae Variant Classification Sherloc (09022015). Collection method: clinical testing. Allele origin: germline.
Comment: This sequence change replaces aspartic acid, which is acidic and polar, with glycine, which is neutral and non-polar, at codon 533 of the MME protein (p.Asp533Gly). This variant is present in population databases (rs771842754, gnomAD 0.002%). This variant has not been reported in the literature in individuals affected with MME-related conditions. Algorithms developed to predict the effect of missense changes on protein structure and function (SIFT, PolyPhen-2, Align-GVGD) all suggest that this variant is likely to be tolerated. Algorithms developed to predict the effect of sequence changes on RNA splicing suggest that this variant may disrupt the consensus splice site. In summary, the available evidence is currently insufficient to determine the role of this variant in disease. Therefore, it has been classified as a Variant of Uncertain Significance.

NM_007289.4(MME):c.1598A>G (p.Asp533Gly)

Gene: MME (membrane metalloendopeptidase; plus strand). Cytogenetic location: 3q25.2.
Variant type: single nucleotide variant.
Coding change: c.1598A>G on transcript NM_007289.4 (MANE Select); coding-DNA position 1598, A replaced by G.
Protein change: p.Asp533Gly; replaces aspartic acid 533 with glycine.
Molecular consequence: missense variant.
Genome position (GRCh38, 1-based): chr3:155,148,650, A>G. VCF-style: chr3-155148650-A-G. GRCh37 (hg19) VCF-style: chr3-154866439-A-G.
Other names: c.1598A>G, p.Asp533Gly (NM_000902.5, NM_001354642.2, NM_001354643.1 and 2 more transcripts); short protein forms D533G.
Identifiers: ClinVar variation 1514806 (VCV001514806.3), dbSNP rs771842754, ClinGen allele CA2675562.